The following is an entry in ClinVar:

ClinVar aggregate classification (germline): Uncertain significance (1 of 4 stars; one submission).

Conditions:
Cardiovascular phenotype. Identifiers: MedGen CN230736.

Submission:

Ambry Genetics
Classification: Uncertain significance for Cardiovascular phenotype. Last evaluated: 2022-05-25. Review status: criteria provided, single submitter. Criteria: Ambry Variant Classification Scheme 2023. Collection method: clinical testing. Allele origin: germline.
Comment: The p.G1424R variant (also known as c.4270G>A), located in coding exon 31 of the LAMA4 gene, results from a G to A substitution at nucleotide position 4270. The glycine at codon 1424 is replaced by arginine, an amino acid with dissimilar properties. This amino acid position is conserved. In addition, this alteration is predicted to be tolerated by in silico analysis. Since supporting evidence is limited at this time, the clinical significance of this alteration remains unclear.

NM_001105206.3(LAMA4):c.4291G>A (p.Gly1431Arg)

Gene: LAMA4 (laminin subunit alpha 4; minus strand). Cytogenetic location: 6q21.
Variant type: single nucleotide variant.
Coding change: c.4291G>A on transcript NM_001105206.3 (MANE Select); coding-DNA position 4291, G replaced by A.
Protein change: p.Gly1431Arg; replaces glycine 1431 with arginine.
Molecular consequence: missense variant.
Genome position (GRCh38, 1-based): chr6:112,122,198, C>T on the plus strand (G>A on the coding strand, the complement: LAMA4 is on the minus strand). VCF-style: chr6-112122198-C-T. GRCh37 (hg19) VCF-style: chr6-112443401-C-T.
Other names: c.4270G>A, p.Gly1424Arg (NM_001105207.3, NM_002290.5); short protein forms G1431R, G1424R.
Identifiers: ClinVar variation 1739261 (VCV001739261.2), dbSNP rs1778403306, ClinGen allele CA365371325.
Genomic context (GRCh38, chr6:112,122,198, plus strand): 5'-TATTCCGCTCTGGGAGTTTCAGAGCAACAGGATCCCATGAAGGTGCATCTTTACTTTTCC[C>T]TCCCTATAAAAGTAAACCAAATTAAGGGATAAAAGTGACATACTAGCAGCAAAAAGTAAT-3'
Protein context (NP_001098676.2, residues 1421-1441): KPKASQNKKG[Gly1431Arg]KSKDAPSWDP